The following is an entry in ClinVar:

NM_177438.3(DICER1):c.1117G>T (p.Val373Leu)

Gene: DICER1 (dicer 1, ribonuclease III; minus strand). Cytogenetic location: 14q32.13.
Variant type: single nucleotide variant.
Coding change: c.1117G>T on transcript NM_177438.3 (MANE Select); coding-DNA position 1117, G replaced by T.
Protein change: p.Val373Leu; replaces valine 373 with leucine.
Molecular consequence: missense variant.
Genome position (GRCh38, 1-based): chr14:95,124,455, C>A on the plus strand (G>T on the coding strand, the complement: DICER1 is on the minus strand). VCF-style: chr14-95124455-C-A. GRCh37 (hg19) VCF-style: chr14-95590792-C-A.
Other names: c.1117G>T, p.Val373Leu (NM_001195573.1, NM_001271282.3, NM_001291628.2 and 1 more transcripts); short protein forms V373L.
Identifiers: ClinVar variation 660846 (VCV000660846.10), dbSNP rs369145814, ClinGen allele CA390886923.

ClinVar aggregate classification (germline): Uncertain significance (1 of 4 stars; one submission).

Conditions:
DICER1-related tumor predisposition. Also called: DICER1 syndrome; DICER1-related pleuropulmonary blastoma cancer predisposition syndrome. Identifiers: Orphanet 284343, MedGen C3839822, MONDO:0100216.

Submission:

Labcorp Genetics (formerly Invitae), Labcorp
Classification: Uncertain significance for DICER1-related tumor predisposition. Last evaluated: 2018-10-11. Review status: criteria provided, single submitter. Criteria: Invitae Variant Classification Sherloc (09022015). Collection method: clinical testing. Allele origin: germline.
Comment: This variant has not been reported in the literature in individuals with DICER1-related disease. This variant is not present in population databases (ExAC no frequency). This sequence change replaces valine with leucine at codon 373 of the DICER1 protein (p.Val373Leu). The valine residue is highly conserved and there is a small physicochemical difference between valine and leucine. Algorithms developed to predict the effect of missense changes on protein structure and function are either unavailable or do not agree on the potential impact of this missense change (SIFT: "Tolerated"; PolyPhen-2: "Possibly Damaging"; Align-GVGD: "Class C0"). In summary, the available evidence is currently insufficient to determine the role of this variant in disease. Therefore, it has been classified as a Variant of Uncertain Significance.